The following is an entry in ClinVar:

ClinVar aggregate classification (germline): Pathogenic. Review status: criteria provided, multiple submitters, no conflicts (2 of 4 stars). 3 submissions from 3 submitters: Pathogenic (3). Last evaluated 2025-04-11.

Conditions:
Hereditary cancer-predisposing syndrome. Also called: Neoplastic Syndromes, Hereditary; Hereditary Cancer Syndrome; Tumor predisposition; Hereditary neoplastic syndrome. Identifiers: Orphanet 140162, MedGen C0027672, MeSH D009386, MONDO:0015356.
Familial cancer of breast. Also called: Hereditary breast cancer; hereditary breast carcinoma; BREAST CANCER, FAMILIAL. Identifiers: Orphanet 227535, MedGen C0346153, MONDO:0016419, OMIM 114480. Disease mechanism: loss of function.

Allele frequency attached by ClinVar (database versions not stated): gnomAD exomes below 0.00001.
gnomAD v4.1: 1 of 1,570,602 alleles (0.000064%); highest among the groups gnomAD compares: Admixed American, 0.0017%; no homozygotes.

Submissions (3):

Labcorp Genetics (formerly Invitae), Labcorp
Classification: Pathogenic for Familial cancer of breast. Last evaluated: 2025-04-11. Review status: criteria provided, single submitter. Criteria: Invitae Variant Classification Sherloc (09022015). Collection method: clinical testing. Allele origin: germline.
Comment: This sequence change creates a premature translational stop signal (p.Glu489*) in the CHEK2 gene. It is expected to result in an absent or disrupted protein product. Loss-of-function variants in CHEK2 are known to be pathogenic (PMID: 21876083, 24713400). This variant is present in population databases (no rsID available, gnomAD 0.003%). This variant has not been reported in the literature in individuals affected with CHEK2-related conditions. ClinVar contains an entry for this variant (Variation ID: 582976). For these reasons, this variant has been classified as Pathogenic.

Myriad Genetics, Inc.
Classification: Pathogenic for Familial cancer of breast. Last evaluated: 2023-06-29. Review status: criteria provided, single submitter. Criteria: Myriad Autosomal Dominant, Autosomal Recessive and X-Linked Classification Criteria (2023). Collection method: clinical testing. Allele origin: unknown.
Comment: This variant is considered pathogenic. This variant creates a termination codon and is predicted to result in premature protein truncation.

Ambry Genetics
Classification: Pathogenic for Hereditary cancer-predisposing syndrome. Last evaluated: 2023-01-11. Review status: criteria provided, single submitter. Criteria: Ambry Variant Classification Scheme 2023. Collection method: clinical testing. Allele origin: germline.
Comment: The p.E489* pathogenic mutation (also known as c.1465G>T), located in coding exon 13 of the CHEK2 gene, results from a G to T substitution at nucleotide position 1465. This changes the amino acid from a glutamic acid to a stop codon within coding exon 13. This variant is considered to be rare based on population cohorts in the Genome Aggregation Database (gnomAD). This alteration is expected to result in loss of function by premature protein truncation or nonsense-mediated mRNA decay. As such, this alteration is interpreted as a disease-causing mutation.

Literature cited by the submitters: PubMed 21876083 (cited by Labcorp Genetics (formerly Invitae), Labcorp); PubMed 24713400 (cited by Labcorp Genetics (formerly Invitae), Labcorp).

NM_007194.4(CHEK2):c.1465G>T (p.Glu489Ter)

Gene: CHEK2 (checkpoint kinase 2; minus strand). Cytogenetic location: 22q12.1.
Variant type: single nucleotide variant.
Coding change: c.1465G>T on transcript NM_007194.4 (MANE Select); coding-DNA position 1465, G replaced by T.
Protein change: p.Glu489Ter; replaces glutamic acid 489 with a stop codon.
Molecular consequence: nonsense.
Genome position (GRCh38, 1-based): chr22:28,689,212, C>A on the plus strand (G>T on the coding strand, the complement: CHEK2 is on the minus strand). VCF-style: chr22-28689212-C-A. GRCh37 (hg19) VCF-style: chr22-29085200-C-A.
Other names: c.1594G>T, p.Glu532Ter (NM_001005735.3); c.802G>T, p.Glu268Ter (NM_001257387.3); c.1264G>T, p.Glu422Ter (NM_001349956.3); c.1378G>T, p.Glu460Ter (NM_145862.3); short protein forms E489*, E268*, E460*, E532*, E422*.
Identifiers: ClinVar variation 582976 (VCV000582976.14), dbSNP rs1420382294, ClinGen allele CA411092740.